The following is an entry in ClinVar:

ClinVar aggregate classification (germline): Pathogenic (1 of 4 stars; one submission).

Conditions:
Hereditary spastic paraplegia 4. Also called: Spastic paraplegia 4, autosomal dominant; Familial spastic paraplegia autosomal dominant 2; Spastic Paraplegia 4. Identifiers: Orphanet 100985, MedGen C1866855, MONDO:0008438, OMIM 182601.

Submission:

Labcorp Genetics (formerly Invitae), Labcorp
Classification: Pathogenic for Hereditary spastic paraplegia 4. Last evaluated: 2023-10-22. Review status: criteria provided, single submitter. Criteria: Invitae Variant Classification Sherloc (09022015). Collection method: clinical testing. Allele origin: unknown.
Comment: This variant is a gross deletion of the genomic region encompassing exon(s) 13-16 of the SPAST gene, which includes the termination codon. This deletion extends beyond the assayed region for this gene and therefore may encompass additional genes. While this deletion is not anticipated to lead to nonsense mediated decay, it is expected to alter mRNA translation or result in a truncated protein product. A similar copy number variant has been observed in individual(s) with hereditary spastic paraplegia (PMID: 12124993, 17035675). It has also been observed to segregate with disease in related individuals. For these reasons, this variant has been classified as Pathogenic.

Literature cited by the submitters: PubMed 12124993; PubMed 17035675.

NC_000002.11:g.(?_32366953)_(32372347_?)del

Gene: SPAST (spastin; plus strand). Cytogenetic location: 2p22.3.
Variant type: Deletion.
Identifiers: ClinVar variation 3247320 (VCV003247320.1).